The following is an entry in ClinVar:

ClinVar aggregate classification (germline): Uncertain significance (1 of 4 stars; one submission).

gnomAD v4.1: 1 of 1,614,182 alleles (0.000062%); highest among the groups gnomAD compares: East Asian, 0.0022%; no homozygotes.

Submission:

Labcorp Genetics (formerly Invitae), Labcorp
Classification: Uncertain significance. Last evaluated: 2024-10-21. Review status: criteria provided, single submitter. Criteria: Invitae Variant Classification Sherloc (09022015). Collection method: clinical testing. Allele origin: germline.
Comment: This sequence change replaces lysine, which is basic and polar, with glutamine, which is neutral and polar, at codon 428 of the HYOU1 protein (p.Lys428Gln). This variant is present in population databases (rs782365159, gnomAD 0.01%). This variant has not been reported in the literature in individuals affected with HYOU1-related conditions. An algorithm developed to predict the effect of missense changes on protein structure and function (PolyPhen-2) suggests that this variant is likely to be disruptive. In summary, the available evidence is currently insufficient to determine the role of this variant in disease. Therefore, it has been classified as a Variant of Uncertain Significance.

NM_006389.5(HYOU1):c.1282A>C (p.Lys428Gln)

Genes: HYOU1 (hypoxia up-regulated 1; minus strand), LOC130006884 (ATAC-STARR-seq lymphoblastoid active region 5617; plus strand). Cytogenetic location: 11q23.3.
Variant type: single nucleotide variant.
Coding change: c.1282A>C on transcript NM_006389.5 (MANE Select); coding-DNA position 1282, A replaced by C.
Protein change: p.Lys428Gln; replaces lysine 428 with glutamine.
Molecular consequence: missense variant.
Genome position (GRCh38, 1-based): chr11:119,051,875, T>G on the plus strand (A>C on the coding strand, the complement: HYOU1 is on the minus strand). VCF-style: chr11-119051875-T-G. GRCh37 (hg19) VCF-style: chr11-118922587-T-G.
Other names: c.1282A>C, p.Lys428Gln (NM_001130991.3, NM_001411041.1); short protein forms K428Q.
Identifiers: ClinVar variation 3723455 (VCV003723455.2).